The following is an entry in ClinVar:

NM_017617.5(NOTCH1):c.865+4C>T

Gene: NOTCH1 (notch receptor 1; minus strand). Cytogenetic location: 9q34.3.
Variant type: single nucleotide variant.
Coding change: c.865+4C>T on transcript NM_017617.5 (MANE Select); 4 bases into the intron after coding-DNA position 865, C replaced by T.
Molecular consequence: intron variant.
Genome position (GRCh38, 1-based): chr9:136,519,439, G>A on the plus strand (C>T on the coding strand, the complement: NOTCH1 is on the minus strand). VCF-style: chr9-136519439-G-A. GRCh37 (hg19) VCF-style: chr9-139413891-G-A.
Other names: c.865+4C>T (LRG_1122t1).
Identifiers: ClinVar variation 477978 (VCV000477978.10), dbSNP rs527248111, ClinGen allele CA5342022.

ClinVar aggregate classification (germline): Uncertain significance. Review status: criteria provided, multiple submitters, no conflicts (2 of 4 stars). 2 submissions from 2 submitters: Uncertain significance (2). Last evaluated 2026-01-25.

Conditions:
Familial thoracic aortic aneurysm and aortic dissection (TAAD). Also called: Thoracic aortic aneurysms and dissections. Identifiers: Orphanet 91387, MedGen C4707243, MONDO:0019625.
Adams-Oliver syndrome 5 (AOS5). Identifiers: Orphanet 974, MedGen C4014970, MONDO:0014459, OMIM 616028.

Allele frequency attached by ClinVar (database versions not stated): gnomAD below 0.00001 and 0.00001; 1000 Genomes Project 0.00020; 1000 Genomes Project 30x 0.00031.
gnomAD v4.1: 20 of 1,612,742 alleles (0.0012%); highest among the groups gnomAD compares: African/African-American, 0.0027%; no homozygotes.

Submissions (2):

Labcorp Genetics (formerly Invitae), Labcorp
Classification: Uncertain significance for Adams-Oliver syndrome 5. Last evaluated: 2026-01-25. Review status: criteria provided, single submitter. Criteria: Invitae Variant Classification Sherloc (09022015). Collection method: clinical testing. Allele origin: germline.
Comment: This sequence change falls in intron 5 of the NOTCH1 gene. It does not directly change the encoded amino acid sequence of the NOTCH1 protein. It affects a nucleotide within the consensus splice site. This variant is present in population databases (rs527248111, gnomAD 0.003%). This variant has not been reported in the literature in individuals affected with NOTCH1-related conditions. ClinVar contains an entry for this variant (Variation ID: 477978). Variants that disrupt the consensus splice site are a relatively common cause of aberrant splicing (PMID: 17576681, 9536098). Algorithms developed to predict the effect of sequence changes on RNA splicing suggest that this variant may disrupt the consensus splice site. In summary, the available evidence is currently insufficient to determine the role of this variant in disease. Therefore, it has been classified as a Variant of Uncertain Significance.

Ambry Genetics
Classification: Uncertain significance for Familial thoracic aortic aneurysm and aortic dissection. Last evaluated: 2024-10-30. Review status: criteria provided, single submitter. Criteria: Ambry Variant Classification Scheme 2023. Collection method: clinical testing. Allele origin: germline.
Comment: The c.865+4C>T intronic variant results from a C to T substitution 4 nucleotides after coding exon 5 in the NOTCH1 gene. This nucleotide position is poorly conserved in available vertebrate species. In silico splice site analysis for this alteration is inconclusive. Based on the available evidence, the clinical significance of this variant remains unclear.

Literature cited by the submitters: PubMed 17576681 (cited by Labcorp Genetics (formerly Invitae), Labcorp); PubMed 9536098 (cited by Labcorp Genetics (formerly Invitae), Labcorp).